The following is an entry in ClinVar:

ClinVar aggregate classification (germline): Uncertain significance (1 of 4 stars; one submission).

Conditions:
Inborn genetic diseases. Identifiers: MedGen C0950123, MeSH D030342.

gnomAD v4.1: 2 of 1,608,474 alleles (0.00012%); highest among the groups gnomAD compares: Non-Finnish European, 0.00017%; no homozygotes.

Submission:

Ambry Genetics
Classification: Uncertain significance for Inborn genetic diseases. Last evaluated: 2025-01-01. Review status: criteria provided, single submitter. Criteria: Ambry Variant Classification Scheme 2023. Collection method: clinical testing. Allele origin: germline.
Comment: The p.T195A variant (also known as c.583A>G), located in coding exon 3 of the ERCC6L2 gene, results from an A to G substitution at nucleotide position 583. The threonine at codon 195 is replaced by alanine, an amino acid with similar properties. This amino acid position is conserved. In addition, this alteration is predicted to be tolerated by in silico analysis. Based on the available evidence, the clinical significance of this variant remains unclear.

NM_020207.7(ERCC6L2):c.583A>G (p.Thr195Ala)

Gene: ERCC6L2 (ERCC excision repair 6 like 2; plus strand). Cytogenetic location: 9q22.32.
Variant type: single nucleotide variant.
Coding change: c.583A>G on transcript NM_020207.7 (MANE Select); coding-DNA position 583, A replaced by G.
Protein change: p.Thr195Ala; replaces threonine 195 with alanine.
Molecular consequence: missense variant. On other transcripts: non-coding transcript variant (1).
Genome position (GRCh38, 1-based): chr9:95,897,960, A>G. VCF-style: chr9-95897960-A-G. GRCh37 (hg19) VCF-style: chr9-98660242-A-G.
Other names: c.583A>G, p.Thr195Ala (NM_001010895.4, NM_001375291.1, NM_001375292.1 and 2 more transcripts); short protein forms T195A.
Identifiers: ClinVar variation 3845839 (VCV003845839.1).